The following is an entry in ClinVar:

ClinVar aggregate classification (germline): Uncertain significance. Review status: criteria provided, multiple submitters, no conflicts (2 of 4 stars). 2 submissions from 2 submitters: Uncertain significance (2). Last evaluated 2026-01-26.

Conditions:
Multiple endocrine neoplasia, type 1 (MEN1). Also called: MEN I; WERMER SYNDROME; Endocrine adenomatosis multiple; MEN 1; MEA I. Identifiers: Orphanet 652, MedGen C0025267, MeSH D018761, MONDO:0007540, OMIM 131100.
Hereditary cancer-predisposing syndrome. Also called: Hereditary neoplastic syndrome; Tumor predisposition; Neoplastic Syndromes, Hereditary; Hereditary Cancer Syndrome. Identifiers: Orphanet 140162, MedGen C0027672, MeSH D009386, MONDO:0015356.

Allele frequency attached by ClinVar (database versions not stated): gnomAD exomes below 0.00001.
gnomAD v4.1: 1 of 1,614,172 alleles (0.000062%); highest among the groups gnomAD compares: Non-Finnish European, 0.000085%; no homozygotes.

Submissions (2):

Ambry Genetics
Classification: Uncertain significance for Hereditary cancer-predisposing syndrome. Last evaluated: 2026-01-26. Review status: criteria provided, single submitter. Criteria: Ambry Variant Classification Scheme 2023. Collection method: clinical testing. Allele origin: germline.
Comment: The p.R605G variant (also known as c.1813C>G), located in coding exon 9 of the MEN1 gene, results from a C to G substitution at nucleotide position 1813. The arginine at codon 605 is replaced by glycine, an amino acid with dissimilar properties. This amino acid position is highly conserved in available vertebrate species. In addition, this alteration is predicted to be deleterious by in silico analysis. Based on the available evidence, the clinical significance of this variant remains unclear.

Labcorp Genetics (formerly Invitae), Labcorp
Classification: Uncertain significance for Multiple endocrine neoplasia, type 1. Last evaluated: 2021-01-09. Review status: criteria provided, single submitter. Criteria: Invitae Variant Classification Sherloc (09022015). Collection method: clinical testing. Allele origin: germline.
Comment: In summary, the available evidence is currently insufficient to determine the role of this variant in disease. Therefore, it has been classified as a Variant of Uncertain Significance. Advanced modeling of protein sequence and biophysical properties (such as structural, functional, and spatial information, amino acid conservation, physicochemical variation, residue mobility, and thermodynamic stability) performed at Invitae indicates that this missense variant is expected to disrupt MEN1 protein function. This variant has not been reported in the literature in individuals with MEN1-related conditions. This variant is not present in population databases (ExAC no frequency). This sequence change replaces arginine with glycine at codon 605 of the MEN1 protein (p.Arg605Gly). The arginine residue is highly conserved and there is a moderate physicochemical difference between arginine and glycine.

NM_001370259.2(MEN1):c.1813C>G (p.Arg605Gly)

Gene: MEN1 (menin 1; minus strand). Cytogenetic location: 11q13.1.
Variant type: single nucleotide variant.
Coding change: c.1813C>G on transcript NM_001370259.2 (MANE Select); coding-DNA position 1813, C replaced by G.
Protein change: p.Arg605Gly; replaces arginine 605 with glycine.
Molecular consequence: missense variant.
Genome position (GRCh38, 1-based): chr11:64,804,354, G>C on the plus strand (C>G on the coding strand, the complement: MEN1 is on the minus strand). VCF-style: chr11-64804354-G-C. GRCh37 (hg19) VCF-style: chr11-64571826-G-C.
Other names: c.1828C>G, p.Arg610Gly (NM_000244.4, NM_130800.3, NM_130801.3 and 3 more transcripts); c.1939C>G, p.Arg647Gly (NM_001370251.2); c.1813C>G, p.Arg605Gly (NM_001370260.2, NM_001370261.2, NM_130799.3); c.1708C>G, p.Arg570Gly (NM_001370262.2, NM_001370263.2); c.1813C>G (NM_130799.2); short protein forms R610G, R647G, R570G, R605G.
Identifiers: ClinVar variation 1378004 (VCV001378004.9), dbSNP rs2136077141, ClinGen allele CA381177090.
Genomic context (GRCh38, chr11:64,804,354, plus strand): 5'-GAGCCTGGGTCCCCACAAGCGGTCCGAAGTCCCCAGTAGTTCAGAGGCCTTTGCGCTGCC[G>C]CTTGAGGAAAGACAGAGTGTAGTCACTAGGGGTGGACACTTTCTGCTTCTTCATCTGCAC-3'
Protein context (NP_001357188.2, residues 595-610): PSDYTLSFLK[Arg605Gly]QRKGL